The following is an entry in ClinVar:

ClinVar aggregate classification (germline): Uncertain significance (1 of 4 stars; one submission).

Conditions:
Charcot-Marie-Tooth disease axonal type 2P. Also called: Charcot-Marie-Tooth Neuropathy Type 2G; CHARCOT-MARIE-TOOTH DISEASE, AXONAL, TYPE 2G; CMT 2G; CHARCOT-MARIE-TOOTH NEUROPATHY, TYPE 2P. Identifiers: Orphanet 300319, Orphanet 99941, MedGen C3280797, MONDO:0013753, OMIM 614436.

Allele frequency attached by ClinVar (database versions not stated): TOPMed 0.00001.
gnomAD v4.1: 31 of 1,614,080 alleles (0.0019%); highest among the groups gnomAD compares: Non-Finnish European, 0.0025%; no homozygotes.

Submission:

Labcorp Genetics (formerly Invitae), Labcorp
Classification: Uncertain significance for Charcot-Marie-Tooth disease axonal type 2P. Last evaluated: 2024-04-16. Review status: criteria provided, single submitter. Criteria: Invitae Variant Classification Sherloc (09022015). Collection method: clinical testing. Allele origin: germline.
Comment: This sequence change replaces aspartic acid, which is acidic and polar, with glutamic acid, which is acidic and polar, at codon 345 of the LRSAM1 protein (p.Asp345Glu). This variant is present in population databases (no rsID available, gnomAD 0.008%). This variant has not been reported in the literature in individuals affected with LRSAM1-related conditions. ClinVar contains an entry for this variant (Variation ID: 654290). Advanced modeling of protein sequence and biophysical properties (such as structural, functional, and spatial information, amino acid conservation, physicochemical variation, residue mobility, and thermodynamic stability) performed at Invitae indicates that this missense variant is not expected to disrupt LRSAM1 protein function with a negative predictive value of 80%. In summary, the available evidence is currently insufficient to determine the role of this variant in disease. Therefore, it has been classified as a Variant of Uncertain Significance.

NM_001005373.4(LRSAM1):c.1035C>G (p.Asp345Glu)

Gene: LRSAM1 (leucine rich repeat and sterile alpha motif containing 1; plus strand). Cytogenetic location: 9q33.3.
Variant type: single nucleotide variant.
Coding change: c.1035C>G on transcript NM_001005373.4 (MANE Select); coding-DNA position 1035, C replaced by G.
Protein change: p.Asp345Glu; replaces aspartic acid 345 with glutamic acid.
Molecular consequence: missense variant. On other transcripts: non-coding transcript variant (2).
Genome position (GRCh38, 1-based): chr9:127,479,970, C>G. VCF-style: chr9-127479970-C-G. GRCh37 (hg19) VCF-style: chr9-130242249-C-G.
Other names: c.1035C>G, p.Asp345Glu (NM_001005374.4, NM_001190723.3, NM_001384142.1 and 2 more transcripts); c.246C>G, p.Asp82Glu (NM_001384144.1); short protein forms D345E, D82E.
Identifiers: ClinVar variation 654290 (VCV000654290.6), dbSNP rs766701971, ClinGen allele CA199848726.